The following is an entry in ClinVar:

ClinVar aggregate classification (germline): Likely benign. Review status: criteria provided, multiple submitters, no conflicts (2 of 4 stars). 2 submissions from 2 submitters: Likely benign (2). Last evaluated 2025-07-22.

Allele frequency attached by ClinVar (database versions not stated): ESP Exome Variant Server 0.00008; ExAC 0.00047; 1000 Genomes Project 30x 0.00125; 1000 Genomes Project 0.00140.

Submissions (2):

Mayo Clinic Laboratories, Mayo Clinic
Classification: Likely benign. Last evaluated: 2025-07-22. Review status: criteria provided, single submitter. Criteria: ACMG Guidelines, 2015. Collection method: clinical testing. Allele origin: germline. Observed: 1 variant allele.
Comment: BS1, BS3_supporting, BP4

Labcorp Genetics (formerly Invitae), Labcorp
Classification: Likely benign. Last evaluated: 2023-07-26. Review status: criteria provided, single submitter. Criteria: Invitae Variant Classification Sherloc (09022015). Collection method: clinical testing. Allele origin: germline.

Literature cited by the submitters: PubMed 34626176 (cited by Mayo Clinic Laboratories, Mayo Clinic); PubMed 35401403 (cited by Mayo Clinic Laboratories, Mayo Clinic).

NM_002775.5(HTRA1):c.1207C>T (p.Arg403Trp)

Gene: HTRA1 (HtrA serine peptidase 1; plus strand). Cytogenetic location: 10q26.13.
Variant type: single nucleotide variant.
Coding change: c.1207C>T on transcript NM_002775.5 (MANE Select); coding-DNA position 1207, C replaced by T.
Protein change: p.Arg403Trp; replaces arginine 403 with tryptophan.
Molecular consequence: missense variant.
Genome position (GRCh38, 1-based): chr10:122,511,998, C>T. VCF-style: chr10-122511998-C-T. GRCh37 (hg19) VCF-style: chr10-124271514-C-T.
Other names: p.Arg403Trp; short protein forms R403W.
Identifiers: ClinVar variation 2712966 (VCV002712966.4), dbSNP rs147459330, ClinGen allele CA5726105.